The following is an entry in ClinVar:

ClinVar aggregate classification (germline): Uncertain significance (1 of 4 stars; one submission).

Conditions:
Cranioectodermal dysplasia 2 (CED2). Identifiers: Orphanet 1515, MedGen C3150874, MONDO:0013323, OMIM 613610.
Short-rib thoracic dysplasia 7 with or without polydactyly (SRTD7). Also called: Short rib polydactyly syndrome 5; SHORT-RIB THORACIC DYSPLASIA 7 WITH POLYDACTYLY. Identifiers: Orphanet 498497, Orphanet 93271, MedGen C3279792, MONDO:0013569, OMIM 614091.

Submission:

Labcorp Genetics (formerly Invitae), Labcorp
Classification: Uncertain significance for Cranioectodermal dysplasia 2; Short-rib thoracic dysplasia 7 with or without polydactyly. Last evaluated: 2022-05-07. Review status: criteria provided, single submitter. Criteria: Invitae Variant Classification Sherloc (09022015). Collection method: clinical testing. Allele origin: germline.
Comment: In summary, the available evidence is currently insufficient to determine the role of this variant in disease. Therefore, it has been classified as a Variant of Uncertain Significance. Algorithms developed to predict the effect of missense changes on protein structure and function (SIFT, PolyPhen-2, Align-GVGD) all suggest that this variant is likely to be tolerated. This variant has not been reported in the literature in individuals affected with WDR35-related conditions. This variant is not present in population databases (gnomAD no frequency). This sequence change replaces lysine, which is basic and polar, with asparagine, which is neutral and polar, at codon 1050 of the WDR35 protein (p.Lys1050Asn).

NM_020779.4(WDR35):c.3117G>T (p.Lys1039Asn)

Gene: WDR35 (WD repeat domain 35; minus strand). Cytogenetic location: 2p24.1.
Variant type: single nucleotide variant.
Coding change: c.3117G>T on transcript NM_020779.4 (MANE Select); coding-DNA position 3117, G replaced by T.
Protein change: p.Lys1039Asn; replaces lysine 1039 with asparagine.
Molecular consequence: missense variant.
Genome position (GRCh38, 1-based): chr2:19,930,400, C>A on the plus strand (G>T on the coding strand, the complement: WDR35 is on the minus strand). VCF-style: chr2-19930400-C-A. GRCh37 (hg19) VCF-style: chr2-20130161-C-A.
Other names: c.3150G>T, p.Lys1050Asn (NM_001006657.2); short protein forms K1050N, K1039N.
Identifiers: ClinVar variation 2097847 (VCV002097847.4), dbSNP rs2527835727, ClinGen allele CA345941446.